The following is an entry in ClinVar:

NM_173660.5(DOK7):c.1290G>A (p.Ala430=)

Gene: DOK7 (docking protein 7; plus strand). Cytogenetic location: 4p16.3.
Variant type: single nucleotide variant.
Coding change: c.1290G>A on transcript NM_173660.5 (MANE Select); coding-DNA position 1290, G replaced by A.
Protein change: p.Ala430=; no amino-acid change (alanine 430 retained).
Molecular consequence: synonymous variant. On other transcripts: 3 prime UTR variant (1).
Genome position (GRCh38, 1-based): chr4:3,493,276, G>A. VCF-style: chr4-3493276-G-A. GRCh37 (hg19) VCF-style: chr4-3495003-G-A.
Other names: c.*511G>A (NM_001164673.2); c.360G>A, p.Ala120= (NM_001256896.2); c.1290G>A, p.Ala430= (NM_001301071.2); c.858G>A, p.Ala286= (NM_001363811.2).
Identifiers: ClinVar variation 702590 (VCV000702590.11), dbSNP rs538047872, ClinGen allele CA2829451.

ClinVar aggregate classification (germline): Benign. Review status: criteria provided, single submitter (1 of 4 stars). 2 submissions from 2 submitters: Benign (1). 1 of the submissions does not count toward it. Last evaluated 2026-01-20.

Conditions:
DOK7-related disorder. Also called: DOK7-related condition.
Fetal akinesia deformation sequence 1 (FADS1). Also called: Fetal akinesia sequence; Pena-Shokeir syndrome type I. Identifiers: Orphanet 994, MedGen C1276035, MONDO:0100101, OMIM 208150, HP:0001989.
Congenital myasthenic syndrome 10. Also called: Myasthenia, limb-girdle, familial. Identifiers: Orphanet 590, MedGen C1850792, MONDO:0009690, OMIM 254300.

Allele frequency attached by ClinVar (database versions not stated): gnomAD 0.00009 and 0.00011; TOPMed 0.00010; 1000 Genomes Project 0.00020.
gnomAD v4.1: 123 of 1,610,748 alleles (0.0076%); highest among the groups gnomAD compares: East Asian, 0.12%; no homozygotes.

Submissions (2):

Labcorp Genetics (formerly Invitae), Labcorp
Classification: Benign for Congenital myasthenic syndrome 10; Fetal akinesia deformation sequence 1. Last evaluated: 2026-01-20. Review status: criteria provided, single submitter. Criteria: Invitae Variant Classification Sherloc (09022015). Collection method: clinical testing. Allele origin: germline.

PreventionGenetics, part of Exact Sciences
Classification: Likely benign for DOK7-related condition. Last evaluated: 2024-03-05. Review status: no assertion criteria provided. Collection method: clinical testing. Allele origin: germline. Not counted in ClinVar's aggregate classification.
Comment: This variant is classified as likely benign based on ACMG/AMP sequence variant interpretation guidelines (Richards et al. 2015 PMID: 25741868, with internal and published modifications).